The following is an entry in ClinVar:

NM_015972.4(POLR1D):c.214A>G (p.Thr72Ala)

Genes: POLR1D (RNA polymerase I and III subunit D; plus strand), LOC147380392 (uncharacterized LOC147380392; plus strand). Cytogenetic location: 13q12.2.
Variant type: single nucleotide variant.
Coding change: c.214A>G on transcript NM_015972.4 (MANE Select); coding-DNA position 214, A replaced by G.
Protein change: p.Thr72Ala; replaces threonine 72 with alanine.
Molecular consequence: missense variant. On other transcripts: intron variant (2).
Genome position (GRCh38, 1-based): chr13:27,623,062, A>G. VCF-style: chr13-27623062-A-G. GRCh37 (hg19) VCF-style: chr13-28197199-A-G.
Other names: c.214A>G, p.Thr72Ala (NM_001374407.1); c.-59+1922A>G (NM_001206559.2); c.26+1053A>G (NM_152705.3); short protein forms T72A.
Identifiers: ClinVar variation 1032714 (VCV001032714.1), dbSNP rs1955966967, ClinGen allele CA387635409.
Genomic context (GRCh38, chr13:27,623,062, plus strand): 5'-GGAAATTCTCTACGTTACATGATCATGAAGAACCCGGAAGTGGAATTTTGTGGTTACACT[A>G]CGACCCATCCTTCAGAGAGCAAAATTAATTTACGCATTCAGACTCGAGGTACCCTTCCAG-3'
Protein context (NP_057056.1, residues 62-82): NPEVEFCGYT[Thr72Ala]THPSESKINL

ClinVar aggregate classification (germline): Uncertain significance (1 of 4 stars; one submission).

Conditions:
Treacher Collins syndrome 2 (TCS2). Also called: POLR1D-Related Treacher Collins Syndrome; TREACHER COLLINS SYNDROME 2, AUTOSOMAL RECESSIVE. Identifiers: Orphanet 861, MedGen C3150983, MONDO:0013385, OMIM 613717.

Allele frequency attached by ClinVar (database versions not stated): TOPMed below 0.00001.

Submission:

Baylor Genetics
Classification: Uncertain significance for Treacher Collins syndrome 2. Last evaluated: 2018-02-22. Review status: criteria provided, single submitter. Criteria: ACMG Guidelines, 2015. Collection method: clinical testing. Allele origin: paternal. Affected: yes.
Comment: This variant was determined to be of uncertain significance according to ACMG Guidelines, 2015 [PMID:25741868].